The following is an entry in ClinVar:

NM_004423.4(DVL3):c.1521C>T (p.His507=)

Gene: DVL3 (dishevelled segment polarity protein 3; plus strand). Cytogenetic location: 3q27.1.
Variant type: single nucleotide variant.
Coding change: c.1521C>T on transcript NM_004423.4 (MANE Select); coding-DNA position 1521, C replaced by T.
Protein change: p.His507=; no amino-acid change (histidine 507 retained).
Molecular consequence: synonymous variant.
Genome position (GRCh38, 1-based): chr3:184,170,028, C>T. VCF-style: chr3-184170028-C-T. GRCh37 (hg19) VCF-style: chr3-183887816-C-T.
Identifiers: ClinVar variation 2498944 (VCV002498944.28), dbSNP rs910052089, ClinGen allele CA88855823.
Genomic context (GRCh38, chr3:184,170,028, plus strand): 5'-CGGAAAGACCTAGCTCCATCCGGCCCTCCCCTTCACAGACATGGCCAACCTGTCTCTCCA[C>T]GATCACGATGGCTCCAGTGGCGCCTCTGACCAGGACACACTGGCCCCTTTGCCGCACCCG-3'
Protein context (NP_004414.3, residues 497-517): LCGNMANLSL[His507=]DHDGSSGASD

ClinVar aggregate classification (germline): Likely benign (1 of 4 stars; one submission).

Allele frequency attached by ClinVar (database versions not stated): gnomAD 0.00001; TOPMed 0.00001.

Submission:

CeGaT Center for Human Genetics Tuebingen
Classification: Likely benign. Last evaluated: 2023-03-01. Review status: criteria provided, single submitter. Criteria: CeGaT Center For Human Genetics Tuebingen Variant Classification Criteria Version 2. Collection method: clinical testing. Allele origin: germline. Affected: yes. Observed: 1 variant allele.
Comment: DVL3: BP4, BP7